The following is an entry in ClinVar:

NM_002439.5(MSH3):c.3238G>C (p.Gly1080Arg)

Gene: MSH3 (mutS homolog 3; plus strand). Cytogenetic location: 5q14.1.
Variant type: single nucleotide variant.
Coding change: c.3238G>C on transcript NM_002439.5 (MANE Select); coding-DNA position 3238, G replaced by C.
Protein change: p.Gly1080Arg; replaces glycine 1080 with arginine.
Molecular consequence: missense variant.
Genome position (GRCh38, 1-based): chr5:80,873,223, G>C. VCF-style: chr5-80873223-G-C. GRCh37 (hg19) VCF-style: chr5-80169042-G-C.
Other names: short protein forms G1080R.
Identifiers: ClinVar variation 1037587 (VCV001037587.9), dbSNP rs1746252571, ClinGen allele CA360347003.
Genomic context (GRCh38, chr5:80,873,223, plus strand): 5'-ACTAGAGGAATTGCAGCAAGGAGTTATGGATTAAATGTGGCTAAACTAGCAGATGTTCCT[G>C]GAGAAATTTTGAAGAAAGCAGCTCACAAGTCAAAAGAGCTGGAAGGATTAATAAATACGA-3'
Protein context (NP_002430.3, residues 1070-1090): LNVAKLADVP[Gly1080Arg]EILKKAAHKS

ClinVar aggregate classification (germline): Uncertain significance (1 of 4 stars; one submission).

Submission:

Labcorp Genetics (formerly Invitae), Labcorp
Classification: Uncertain significance. Last evaluated: 2020-02-05. Review status: criteria provided, single submitter. Criteria: Invitae Variant Classification Sherloc (09022015). Collection method: clinical testing. Allele origin: germline.
Comment: In summary, the available evidence is currently insufficient to determine the role of this variant in disease. Therefore, it has been classified as a Variant of Uncertain Significance. Algorithms developed to predict the effect of missense changes on protein structure and function output the following: SIFT: "Tolerated"; PolyPhen-2: "Benign"; Align-GVGD: "Class C0". The arginine amino acid residue is found in multiple mammalian species, suggesting that this missense change does not adversely affect protein function. These predictions have not been confirmed by published functional studies and their clinical significance is uncertain. This variant has not been reported in the literature in individuals with MSH3-related conditions. This variant is not present in population databases (ExAC no frequency). This sequence change replaces glycine with arginine at codon 1080 of the MSH3 protein (p.Gly1080Arg). The glycine residue is weakly conserved and there is a moderate physicochemical difference between glycine and arginine.